The following is an entry in ClinVar:

NM_006019.4(TCIRG1):c.162_196+139del

Gene: TCIRG1 (T cell immune regulator 1, ATPase H+ transporting V0 subunit a3; plus strand). Cytogenetic location: 11q13.2.
Variant type: Deletion.
Coding change: c.162_196+139del on transcript NM_006019.4 (MANE Select); coding-DNA position 162 through 139 bases into the intron after coding-DNA position 196, 174 bases deleted.
Molecular consequence: splice donor variant.
Genome position (GRCh38, 1-based): chr11:68,041,797-68,041,970, 174 bases deleted. GRCh37 (hg19): chr11:67,809,264-67,809,437.
Other names: c.-1088_-1054+139del (NM_001351059.2).
Identifiers: ClinVar variation 1951238 (VCV001951238.5), dbSNP rs2495609866, ClinGen allele CA2580084716.

ClinVar aggregate classification (germline): Likely pathogenic (1 of 4 stars; one submission).

Submission:

Labcorp Genetics (formerly Invitae), Labcorp
Classification: Likely pathogenic. Last evaluated: 2022-06-27. Review status: criteria provided, single submitter. Criteria: Invitae Variant Classification Sherloc (09022015). Collection method: clinical testing. Allele origin: germline.
Comment: In summary, the currently available evidence indicates that the variant is pathogenic, but additional data are needed to prove that conclusively. Therefore, this variant has been classified as Likely Pathogenic. Algorithms developed to predict the effect of sequence changes on RNA splicing suggest that this variant may disrupt the consensus splice site. This variant has not been reported in the literature in individuals affected with TCIRG1-related conditions. This variant is not present in population databases (gnomAD no frequency). This variant results in the deletion of part of exon 3 (c.162_196+139del) of the TCIRG1 gene. It is expected to disrupt RNA splicing. Variants that disrupt the donor or acceptor splice site typically lead to a loss of protein function (PMID: 16199547), and loss-of-function variants in TCIRG1 are known to be pathogenic (PMID: 10888887, 10942435, 11532986, 19448635).

Literature cited by the submitters: PubMed 16199547; PubMed 10888887; PubMed 10942435; PubMed 11532986; PubMed 19448635.